The following is an entry in ClinVar:

NM_003000.3(SDHB):c.43G>A (p.Ala15Thr)

Gene: SDHB (succinate dehydrogenase complex iron sulfur subunit B; minus strand). Cytogenetic location: 1p36.13.
Variant type: single nucleotide variant.
Coding change: c.43G>A on transcript NM_003000.3 (MANE Select); coding-DNA position 43, G replaced by A.
Protein change: p.Ala15Thr; replaces alanine 15 with threonine.
Molecular consequence: missense variant.
Genome position (GRCh38, 1-based): chr1:17,053,977, C>T on the plus strand (G>A on the coding strand, the complement: SDHB is on the minus strand). VCF-style: chr1-17053977-C-T. GRCh37 (hg19) VCF-style: chr1-17380472-C-T.
Other names: c.43G>A, p.Ala15Thr (NM_001407361.1); short protein forms A15T.
Identifiers: ClinVar variation 4547720 (VCV004547720.1).

ClinVar aggregate classification (germline): Uncertain significance (1 of 4 stars; one submission).

Conditions:
Hereditary cancer-predisposing syndrome. Also called: Tumor predisposition; Hereditary Cancer Syndrome; Hereditary neoplastic syndrome; Neoplastic Syndromes, Hereditary. Identifiers: Orphanet 140162, MedGen C0027672, MeSH D009386, MONDO:0015356.

Submission:

Ambry Genetics
Classification: Uncertain significance for Hereditary cancer-predisposing syndrome. Last evaluated: 2025-09-30. Review status: criteria provided, single submitter. Criteria: Ambry Variant Classification Scheme 2023. Collection method: clinical testing. Allele origin: germline.
Comment: The p.A15T variant (also known as c.43G>A), located in coding exon 1 of the SDHB gene, results from a G to A substitution at nucleotide position 43. The alanine at codon 15 is replaced by threonine, an amino acid with similar properties. This amino acid position is well conserved in available vertebrate species. In addition, the in silico prediction for this alteration is inconclusive. Based on the available evidence, the clinical significance of this variant remains unclear.